The following is an entry in ClinVar:

NM_004519.4(KCNQ3):c.2388C>T (p.Asn796=)

Gene: KCNQ3 (potassium voltage-gated channel subfamily Q member 3; minus strand). Cytogenetic location: 8q24.22.
Variant type: single nucleotide variant.
Coding change: c.2388C>T on transcript NM_004519.4 (MANE Select); coding-DNA position 2388, C replaced by T.
Protein change: p.Asn796=; no amino-acid change (asparagine 796 retained).
Molecular consequence: synonymous variant.
Genome position (GRCh38, 1-based): chr8:132,129,493, G>A on the plus strand (C>T on the coding strand, the complement: KCNQ3 is on the minus strand). VCF-style: chr8-132129493-G-A. GRCh37 (hg19) VCF-style: chr8-133141740-G-A.
Other names: c.2028C>T, p.Asn676= (NM_001204824.2).
Identifiers: ClinVar variation 391922 (VCV000391922.38), dbSNP rs957388952, ClinGen allele CA16605957.
Genomic context (GRCh38, chr8:132,129,493, plus strand): 5'-ATAATCATCTCTGTCCTGGGAGATGCTGAAGCCACTTGGAGACCTCTCCAGCTCCTCGTG[G>A]TTGACCGACATCAGGGACAGAGGTGTGTCACTGTCTCGCGTGATGCTACGTCTCTGCCGG-3'
Protein context (NP_004510.1, residues 786-806): SDTPLSLMSV[Asn796=]HEELERSPSG

ClinVar aggregate classification (germline): Likely benign. Review status: criteria provided, multiple submitters, no conflicts (2 of 4 stars). 4 submissions from 4 submitters: Likely benign (4). Last evaluated 2023-10-22.

Conditions:
Benign neonatal seizures. Also called: Benign familial neonatal seizures; Benign neonatal familial convulsions; Benign familial neonatal epilepsy; Convulsions benign familial neonatal dominant form; Autosomal dominant form of benign neonatal seizures. Identifiers: Orphanet 1949, MedGen C0220669, MONDO:0016027.

Allele frequency attached by ClinVar (database versions not stated): TOPMed 0.00001; gnomAD 0.00003; gnomAD exomes below 0.00001 and 0.00001.
gnomAD v4.1: 13 of 1,614,074 alleles (0.00081%); highest among the groups gnomAD compares: Middle Eastern, 0.099%; 1 homozygote.

Submissions (4):

Labcorp Genetics (formerly Invitae), Labcorp
Classification: Likely benign for Benign neonatal seizures. Last evaluated: 2023-10-22. Review status: criteria provided, single submitter. Criteria: Invitae Variant Classification Sherloc (09022015). Collection method: clinical testing. Allele origin: germline.

Blueprint Genetics
Classification: Likely benign. Last evaluated: 2023-07-28. Review status: criteria provided, single submitter. Criteria: ACMG Guidelines, 2015. Collection method: clinical testing. Allele origin: germline.

CeGaT Center for Human Genetics Tuebingen
Classification: Likely benign. Last evaluated: 2022-01-01. Review status: criteria provided, single submitter. Criteria: CeGaT Center For Human Genetics Tuebingen Variant Classification Criteria Version 2. Collection method: clinical testing. Allele origin: germline. Affected: yes. Observed: 1 variant allele.

GeneDx
Classification: Likely benign. Last evaluated: 2016-12-19. Review status: criteria provided, single submitter. Criteria: GeneDx Variant Classification (06012015). Collection method: clinical testing. Allele origin: germline. Affected: yes.
Comment: This variant is considered likely benign or benign based on one or more of the following criteria: it is a conservative change, it occurs at a poorly conserved position in the protein, it is predicted to be benign by multiple in silico algorithms, and/or has population frequency not consistent with disease.